The following is an entry in ClinVar:

NM_177438.3(DICER1):c.1107C>A (p.Asp369Glu)

Gene: DICER1 (dicer 1, ribonuclease III; minus strand). Cytogenetic location: 14q32.13.
Variant type: single nucleotide variant.
Coding change: c.1107C>A on transcript NM_177438.3 (MANE Select); coding-DNA position 1107, C replaced by A.
Protein change: p.Asp369Glu; replaces aspartic acid 369 with glutamic acid.
Molecular consequence: missense variant.
Genome position (GRCh38, 1-based): chr14:95,124,465, G>T on the plus strand (C>A on the coding strand, the complement: DICER1 is on the minus strand). VCF-style: chr14-95124465-G-T. GRCh37 (hg19) VCF-style: chr14-95590802-G-T.
Other names: c.1107C>A, p.Asp369Glu (NM_001195573.1, NM_001271282.3, NM_001291628.2 and 1 more transcripts); short protein forms D369E.
Identifiers: ClinVar variation 477029 (VCV000477029.10), dbSNP rs1555374745, ClinGen allele CA390886946.

ClinVar aggregate classification (germline): Uncertain significance (1 of 4 stars; one submission).

Conditions:
DICER1-related tumor predisposition. Also called: DICER1-related pleuropulmonary blastoma cancer predisposition syndrome; DICER1 syndrome. Identifiers: Orphanet 284343, MedGen C3839822, MONDO:0100216.

Submission:

Labcorp Genetics (formerly Invitae), Labcorp
Classification: Uncertain significance for DICER1-related tumor predisposition. Last evaluated: 2017-03-14. Review status: criteria provided, single submitter. Criteria: Invitae Variant Classification Sherloc (09022015). Collection method: clinical testing. Allele origin: germline.
Comment: In summary, this variant is a novel missense change with uncertain impact on protein function. It has been classified as a Variant of Uncertain Significance. Algorithms developed to predict the effect of missense changes on protein structure and function do not agree on the potential impact of this missense change (SIFT: "Tolerated"; PolyPhen-2: "Probably Damaging"; Align-GVGD: "Class C0"). This variant is not present in population databases (ExAC no frequency) and has not been reported in the literature in individuals with a DICER1-related disease. This sequence change replaces aspartic acid with glutamic acid at codon 369 of the DICER1 protein (p.Asp369Glu). The aspartic acid residue is highly conserved and there is a small physicochemical difference between aspartic acid and glutamic acid.